The following is an entry in ClinVar:

ClinVar aggregate classification (germline): Likely benign (1 of 4 stars; one submission).

Conditions:
Familial cancer of breast. Also called: BREAST CANCER, FAMILIAL; Hereditary breast cancer; hereditary breast carcinoma. Identifiers: Orphanet 227535, MedGen C0346153, MONDO:0016419, OMIM 114480. Disease mechanism: loss of function.

Submission:

Myriad Genetics, Inc.
Classification: Likely benign for Familial cancer of breast. Last evaluated: 2024-05-24. Review status: criteria provided, single submitter. Criteria: Myriad Autosomal Dominant, Autosomal Recessive and X-Linked Classification Criteria (2023). Collection method: clinical testing. Allele origin: unknown.
Comment: This variant is considered likely benign. This variant is intronic and is not expected to impact mRNA splicing.

NM_000051.4(ATM):c.5675-16T>C

Gene: ATM (ATM serine/threonine kinase; plus strand). Cytogenetic location: 11q22.3.
Variant type: single nucleotide variant.
Coding change: c.5675-16T>C on transcript NM_000051.4 (MANE Select); 16 bases into the intron before coding-DNA position 5675, T replaced by C.
Molecular consequence: intron variant.
Genome position (GRCh38, 1-based): chr11:108,307,881, T>C. VCF-style: chr11-108307881-T-C. GRCh37 (hg19) VCF-style: chr11-108178608-T-C.
Other names: c.5675-16T>C (NM_001351834.2).
Identifiers: ClinVar variation 3253977 (VCV003253977.1), dbSNP rs925681886.
Genomic context (GRCh38, chr11:108,307,881, plus strand): 5'-AGACACATAAACAAGAAGGAAGAAGGTGTGTAAGCAAGAATGCCTGGGACTGAGGGGAGA[T>C]ATTTTTGTTTGTCAGAGTCAGAGCACTTTTTCCGATGCTGTTTGGATAAAAAATCACAAA-3'